The following is an entry in ClinVar:

ClinVar aggregate classification (germline): Conflicting classifications of pathogenicity. Review status: no assertion criteria provided (0 of 4 stars). 2 submissions from 2 submitters: Uncertain significance (1); Likely benign (1). Last evaluated 2020-09-14.

Conditions:
Polycystic kidney disease. Also called: Polycystic kidney dysplasia; Kidney, Polycystic. Identifiers: MedGen C0022680, MeSH D007690, MONDO:0020642, HP:0000113.
PKD1-related disorder. Also called: PKD1-related condition.

Allele frequency attached by ClinVar (database versions not stated): TOPMed 0.00001.
gnomAD v4.1: 11 of 1,609,130 alleles (0.00068%); highest among the groups gnomAD compares: East Asian, 0.0022%; no homozygotes.

Submissions (2):

PreventionGenetics, part of Exact Sciences
Classification: Likely benign for PKD1-related condition. Last evaluated: 2020-09-14. Review status: no assertion criteria provided. Collection method: clinical testing. Allele origin: germline.
Comment: This variant is classified as likely benign based on ACMG/AMP sequence variant interpretation guidelines (Richards et al. 2015 PMID: 25741868, with internal and published modifications).

Department of Pathology and Laboratory Medicine, Sinai Health System
Classification: Uncertain significance for Polycystic Kidney disease. Review status: no assertion criteria provided. Collection method: clinical testing. Allele origin: unknown. Affected: yes. Study: The Canadian Open Genetics Repository (COGR).
Comment: The PKD1 p.Leu4055= variant was not identified in the literature nor was it identified in the ClinVar, GeneInsight-COGR, LOVD 3.0, ADPKD Mutation, or PKD1-LOVD databases. The variant was identified in dbSNP (ID: rs375183934) as clinical significance â€šÃ„ÃºNAâ€šÃ„Ã¹. The variant was identified in control databases in 5 of 236828 chromosomes at a frequency of 0.00002 (Genome Aggregation Database Feb 27, 2017). The variant was identified in the following populations: European in 3 of 107050 chromosomes (freq: 0.00003), African in 1 of 14770 chromosomes (freq: 0.00007), and East Asian in 1 of 17096 chromosomes (freq: 0.00006), while the variant was not observed in the Other, Latino, Ashkenazi Jewish, Finnish, or South Asian populations. The p.Leu4055= variant is not expected to have clinical significance because it does not result in a change of amino acid and is not located in a known consensus splice site. In addition, 3 of 4 in silico or computational prediction software programs (SpliceSiteFinder, MaxEntScan, NNSPLICE, GeneSplicer, HumanSpliceFinder) do not predict a difference in splicing. In summary, based on the above information, the clinical significance of this variant cannot be determined with certainty at this time. This variant is classified as uncertain significance.

NM_001009944.3(PKD1):c.12165C>T (p.Leu4055=)

Gene: PKD1 (polycystin 1, transient receptor potential channel interacting; minus strand). Cytogenetic location: 16p13.3.
Variant type: single nucleotide variant.
Coding change: c.12165C>T on transcript NM_001009944.3 (MANE Select); coding-DNA position 12165, C replaced by T.
Protein change: p.Leu4055=; no amino-acid change (leucine 4055 retained).
Molecular consequence: synonymous variant.
Genome position (GRCh38, 1-based): chr16:2,090,564, G>A on the plus strand (C>T on the coding strand, the complement: PKD1 is on the minus strand). VCF-style: chr16-2090564-G-A. GRCh37 (hg19) VCF-style: chr16-2140565-G-A.
Other names: c.12165C>T (NM_001009944.2); c.12162C>T, p.Leu4054= (NM_000296.4).
Identifiers: ClinVar variation 997228 (VCV000997228.3), dbSNP rs375183934, ClinGen allele CA7828742.
Genomic context (GRCh38, chr16:2,090,564, plus strand): 5'-ACACAGGGTAGAGAGCCCAGTCCCAGGGCACAGCACCAACAGGGCCTGGGCCACGCTCCA[G>A]AGGGAGTCCACACAGGAAGACACGAGCTGCGGGGAAGGCGACACCAGTGAGGGCGTACAG-3'
Protein context (NP_001009944.3, residues 4045-4065): ILLVSSCVDS[Leu4055=]WSVAQALLVL